The following is an entry in ClinVar:

ClinVar aggregate classification (germline): Uncertain significance (1 of 4 stars; one submission).

gnomAD v4.1: 4 of 1,614,104 alleles (0.00025%); highest among the groups gnomAD compares: Non-Finnish European, 0.00034%; no homozygotes.

Submission:

Labcorp Genetics (formerly Invitae), Labcorp
Classification: Uncertain significance. Last evaluated: 2022-09-26. Review status: criteria provided, single submitter. Criteria: Invitae Variant Classification Sherloc (09022015). Collection method: clinical testing. Allele origin: germline.
Comment: This sequence change creates a premature translational stop signal (p.Trp991*) in the ALPK1 gene. It is expected to result in an absent or disrupted protein product. However, the current clinical and genetic evidence is not sufficient to establish whether loss-of-function variants in ALPK1 cause disease. This variant is not present in population databases (gnomAD no frequency). This variant has not been reported in the literature in individuals affected with ALPK1-related conditions. In summary, the available evidence is currently insufficient to determine the role of this variant in disease. Therefore, it has been classified as a Variant of Uncertain Significance.

NM_025144.4(ALPK1):c.2973G>A (p.Trp991Ter)

Gene: ALPK1 (alpha kinase 1; plus strand). Cytogenetic location: 4q25.
Variant type: single nucleotide variant.
Coding change: c.2973G>A on transcript NM_025144.4 (MANE Select); coding-DNA position 2973, G replaced by A.
Protein change: p.Trp991Ter; replaces tryptophan 991 with a stop codon.
Molecular consequence: nonsense.
Genome position (GRCh38, 1-based): chr4:112,432,520, G>A. VCF-style: chr4-112432520-G-A. GRCh37 (hg19) VCF-style: chr4-113353676-G-A.
Other names: c.2973G>A, p.Trp991Ter (NM_001102406.2); c.2739G>A, p.Trp913Ter (NM_001253884.2); short protein forms W913*, W991*.
Identifiers: ClinVar variation 2032674 (VCV002032674.4), dbSNP rs1423894105, ClinGen allele CA357902977.
Genomic context (GRCh38, chr4:112,432,520, plus strand): 5'-GGCTCGCACCTTGCAACCTGATGACTTTGAAAAGCTGTTGGCAGGAGTGAGGCATGATTG[G>A]CTGTTTCAGAGACTAGAGAATACGGGGGTTTTTAAGCCCAGTCAACTCCACCGAGCACAT-3'